The following is an entry in ClinVar:

ClinVar aggregate classification (germline): Uncertain significance. Review status: criteria provided, multiple submitters, no conflicts (2 of 4 stars). 2 submissions from 2 submitters: Uncertain significance (2). Last evaluated 2026-07-06.

Conditions:
Birt-Hogg-Dube syndrome. Also called: Birt Hogg Dubé syndrome. Identifiers: Orphanet 122, MedGen C0346010, MONDO:0800444.
Hereditary cancer-predisposing syndrome. Also called: Tumor predisposition; Hereditary neoplastic syndrome; Hereditary Cancer Syndrome; Neoplastic Syndromes, Hereditary. Identifiers: Orphanet 140162, MedGen C0027672, MeSH D009386, MONDO:0015356.

Submissions (2):

Ambry Genetics
Classification: Uncertain significance for Hereditary cancer-predisposing syndrome. Last evaluated: 2026-07-06. Review status: criteria provided, single submitter. Criteria: Ambry Variant Classification Scheme 2023. Collection method: clinical testing. Allele origin: germline.
Comment: The p.Q217P variant (also known as c.650A>C), located in coding exon 4 of the FLCN gene, results from an A to C substitution at nucleotide position 650. The glutamine at codon 217 is replaced by proline, an amino acid with similar properties. This amino acid position is conserved. In addition, the in silico prediction for this alteration is inconclusive. Based on the available evidence, the clinical significance of this variant remains unclear.

Labcorp Genetics (formerly Invitae), Labcorp
Classification: Uncertain significance for Birt-Hogg-Dube syndrome. Last evaluated: 2024-04-11. Review status: criteria provided, single submitter. Criteria: Invitae Variant Classification Sherloc (09022015). Collection method: clinical testing. Allele origin: germline.
Comment: This sequence change replaces glutamine, which is neutral and polar, with proline, which is neutral and non-polar, at codon 217 of the FLCN protein (p.Gln217Pro). This variant is not present in population databases (gnomAD no frequency). This variant has not been reported in the literature in individuals affected with FLCN-related conditions. Advanced modeling of protein sequence and biophysical properties (such as structural, functional, and spatial information, amino acid conservation, physicochemical variation, residue mobility, and thermodynamic stability) performed at Invitae indicates that this missense variant is not expected to disrupt FLCN protein function with a negative predictive value of 80%. In summary, the available evidence is currently insufficient to determine the role of this variant in disease. Therefore, it has been classified as a Variant of Uncertain Significance.

NM_144997.7(FLCN):c.650A>C (p.Gln217Pro)

Gene: FLCN (folliculin; minus strand). Cytogenetic location: 17p11.2.
Variant type: single nucleotide variant.
Coding change: c.650A>C on transcript NM_144997.7 (MANE Select); coding-DNA position 650, A replaced by C.
Protein change: p.Gln217Pro; replaces glutamine 217 with proline.
Molecular consequence: missense variant.
Genome position (GRCh38, 1-based): chr17:17,222,630, T>G on the plus strand (A>C on the coding strand, the complement: FLCN is on the minus strand). VCF-style: chr17-17222630-T-G. GRCh37 (hg19) VCF-style: chr17-17125944-T-G.
Other names: c.704A>C, p.Gln235Pro (NM_001353229.2); c.650A>C, p.Gln217Pro (NM_001353230.2, NM_001353231.2, NM_144606.7); short protein forms Q235P, Q217P.
Identifiers: ClinVar variation 3708750 (VCV003708750.3).